The following is an entry in ClinVar:

NM_004629.2(FANCG):c.470G>A (p.Gly157Glu)

Gene: FANCG (FA complementation group G; minus strand). Cytogenetic location: 9p13.3.
Variant type: single nucleotide variant.
Coding change: c.470G>A on transcript NM_004629.2 (MANE Select); coding-DNA position 470, G replaced by A.
Protein change: p.Gly157Glu; replaces glycine 157 with glutamic acid.
Molecular consequence: missense variant.
Genome position (GRCh38, 1-based): chr9:35,078,181, C>T on the plus strand (G>A on the coding strand, the complement: FANCG is on the minus strand). VCF-style: chr9-35078181-C-T. GRCh37 (hg19) VCF-style: chr9-35078178-C-T.
Other names: short protein forms G157E.
Identifiers: ClinVar variation 3848404 (VCV003848404.1).

ClinVar aggregate classification (germline): Uncertain significance (1 of 4 stars; one submission).

Conditions:
Inborn genetic diseases. Identifiers: MedGen C0950123, MeSH D030342.

Submission:

Ambry Genetics
Classification: Uncertain significance for Inborn genetic diseases. Last evaluated: 2025-01-13. Review status: criteria provided, single submitter. Criteria: Ambry Variant Classification Scheme 2023. Collection method: clinical testing. Allele origin: germline.
Comment: The p.G157E variant (also known as c.470G>A), located in coding exon 4 of the FANCG gene, results from a G to A substitution at nucleotide position 470. The glycine at codon 157 is replaced by glutamic acid, an amino acid with similar properties. This amino acid position is conserved. In addition, this alteration is predicted to be tolerated by in silico analysis. Based on the available evidence, the clinical significance of this variant remains unclear.